The following is an entry in ClinVar:

ClinVar aggregate classification (germline): Likely benign (0 of 4 stars; one submission).

Conditions:
NCOA1-related disorder. Also called: NCOA1-related condition.

Allele frequency attached by ClinVar (database versions not stated): gnomAD 0.00001.
gnomAD v4.1: 1 of 1,614,092 alleles (0.000062%); highest among the groups gnomAD compares: African/African-American, 0.0013%; no homozygotes.

Submission:

PreventionGenetics, part of Exact Sciences
Classification: Likely benign for NCOA1-related condition. Last evaluated: 2019-11-04. Review status: no assertion criteria provided. Collection method: clinical testing. Allele origin: germline.
Comment: This variant is classified as likely benign based on ACMG/AMP sequence variant interpretation guidelines (Richards et al. 2015 PMID: 25741868, with internal and published modifications).

NM_003743.5(NCOA1):c.3471C>A (p.Pro1157=)

Gene: NCOA1 (nuclear receptor coactivator 1; plus strand). Cytogenetic location: 2p23.3.
Variant type: single nucleotide variant.
Coding change: c.3471C>A on transcript NM_003743.5 (MANE Select); coding-DNA position 3471, C replaced by A.
Protein change: p.Pro1157=; no amino-acid change (proline 1157 retained).
Molecular consequence: synonymous variant.
Genome position (GRCh38, 1-based): chr2:24,741,951, C>A. VCF-style: chr2-24741951-C-A. GRCh37 (hg19) VCF-style: chr2-24964820-C-A.
Other names: c.3471C>A, p.Pro1157= (NM_001362950.1, NM_001362952.1, NM_001362954.1 and 3 more transcripts).
Identifiers: ClinVar variation 3045789 (VCV003045789.2), dbSNP rs941317288, ClinGen allele CA43662016.